The following is an entry in ClinVar:

NM_152365.3(KDF1):c.956G>A (p.Arg319His)

Gene: KDF1 (keratinocyte differentiation factor 1; minus strand). Cytogenetic location: 1p36.11.
Variant type: single nucleotide variant.
Coding change: c.956G>A on transcript NM_152365.3 (MANE Select); coding-DNA position 956, G replaced by A.
Protein change: p.Arg319His; replaces arginine 319 with histidine.
Molecular consequence: missense variant.
Genome position (GRCh38, 1-based): chr1:26,951,425, C>T on the plus strand (G>A on the coding strand, the complement: KDF1 is on the minus strand). VCF-style: chr1-26951425-C-T. GRCh37 (hg19) VCF-style: chr1-27277916-C-T.
Other names: short protein forms R319H.
Identifiers: ClinVar variation 2602465 (VCV002602465.28), dbSNP rs145055719, ClinGen allele CA710205.
Genomic context (GRCh38, chr1:26,951,425, plus strand): 5'-ACCATGGTCTCATGGCCACTGTCAGGGGCAGCAGCGGTTGGGGCAGCAGCCCGAGTTGAA[C>T]GACCCTCCGAGGTCTGTGGGCGAGCACGGCTCTTTCGGGTACTAATGCGAATGATGCCGC-3'
Protein context (NP_689578.2, residues 309-329): SRARPQTSEG[Arg319His]STRAAAPTAA

ClinVar aggregate classification (germline): Conflicting classifications of pathogenicity. Review status: criteria provided, conflicting classifications (1 of 4 stars). 3 submissions from 3 submitters: Uncertain significance (2); Likely benign (1). Last evaluated 2024-10-30.

Conditions:
Inborn genetic diseases. Identifiers: MedGen C0950123, MeSH D030342.

Allele frequency attached by ClinVar (database versions not stated): gnomAD exomes 0.00011; ExAC 0.00015; TOPMed 0.00025; gnomAD 0.00026; ESP Exome Variant Server 0.00031.
gnomAD v4.1: 204 of 1,612,118 alleles (0.013%); highest among the groups gnomAD compares: African/African-American, 0.064%; no homozygotes.

Submissions (3):

Labcorp Genetics (formerly Invitae), Labcorp
Classification: Uncertain significance. Last evaluated: 2024-10-30. Review status: criteria provided, single submitter. Criteria: Invitae Variant Classification Sherloc (09022015). Collection method: clinical testing. Allele origin: germline.
Comment: This sequence change replaces arginine, which is basic and polar, with histidine, which is basic and polar, at codon 319 of the KDF1 protein (p.Arg319His). This variant is present in population databases (rs145055719, gnomAD 0.05%), and has an allele count higher than expected for a pathogenic variant. This variant has not been reported in the literature in individuals affected with KDF1-related conditions. ClinVar contains an entry for this variant (Variation ID: 2602465). Invitae Evidence Modeling of protein sequence and biophysical properties (such as structural, functional, and spatial information, amino acid conservation, physicochemical variation, residue mobility, and thermodynamic stability) indicates that this missense variant is not expected to disrupt KDF1 protein function with a negative predictive value of 80%. In summary, the available evidence is currently insufficient to determine the role of this variant in disease. Therefore, it has been classified as a Variant of Uncertain Significance.

Ambry Genetics
Classification: Uncertain significance for Inborn genetic diseases. Last evaluated: 2023-09-13. Review status: criteria provided, single submitter. Criteria: Ambry Variant Classification Scheme 2023. Collection method: clinical testing. Allele origin: germline.

CeGaT Center for Human Genetics Tuebingen
Classification: Likely benign. Last evaluated: 2022-07-01. Review status: criteria provided, single submitter. Criteria: CeGaT Center For Human Genetics Tuebingen Variant Classification Criteria Version 2. Collection method: clinical testing. Allele origin: germline. Affected: yes. Observed: 1 variant allele.
Comment: KDF1: BP4